The following is an entry in ClinVar:

ClinVar aggregate classification (germline): Likely pathogenic (1 of 4 stars; one submission).

Submission:

GeneDx
Classification: Likely pathogenic. Last evaluated: 2023-05-08. Review status: criteria provided, single submitter. Criteria: GeneDx Variant Classification Process June 2021. Collection method: clinical testing. Allele origin: germline. Affected: yes.
Comment: Frameshift variant predicted to result in protein truncation or nonsense mediated decay in a gene for which loss of function is a known mechanism of disease; Not observed at significant frequency in large population cohorts (gnomAD); Has not been previously published as pathogenic or benign to our knowledge

NM_002439.5(MSH3):c.394_395del (p.Lys132fs)

Gene: MSH3 (mutS homolog 3; plus strand). Cytogenetic location: 5q14.1.
Variant type: Deletion.
Coding change: c.394_395del on transcript NM_002439.5 (MANE Select); coding-DNA positions 394 to 395, 2 bases deleted (AA; older notation c.394_395delAA).
Protein change: p.Lys132fs; shifts the reading frame from lysine 132.
Molecular consequence: frameshift variant.
Genome position (GRCh38, 1-based): chr5:80,665,178-80,665,179, AA deleted; deleting any 2 consecutive bases within chr5:80,665,177-80,665,179 gives the same sequence; the c. name uses the placement nearest the transcript's 3' end. VCF-style (leftmost placement, unchanged base first): chr5-80665176-CAA-C. GRCh37 (hg19) VCF-style: chr5-79960995-CAA-C.
Other names: short protein forms K132fs.
Identifiers: ClinVar variation 2663135 (VCV002663135.1), dbSNP rs2546717368, ClinGen allele CA2695198640.